The following is an entry in ClinVar:

ClinVar aggregate classification (germline): Uncertain significance. Review status: criteria provided, multiple submitters, no conflicts (2 of 4 stars). 2 submissions from 2 submitters: Uncertain significance (2). Last evaluated 2022-08-26.

Conditions:
Inborn genetic diseases. Identifiers: MedGen C0950123, MeSH D030342.

Allele frequency attached by ClinVar (database versions not stated): TOPMed below 0.00001.
gnomAD v4.1: 1 of 1,614,046 alleles (0.000062%); highest among the groups gnomAD compares: South Asian, 0.0011%; no homozygotes.

Submissions (2):

GeneDx
Classification: Uncertain significance. Last evaluated: 2022-08-26. Review status: criteria provided, single submitter. Criteria: GeneDx Variant Classification Process June 2021. Collection method: clinical testing. Allele origin: germline. Affected: yes.
Comment: Not observed at significant frequency in large population cohorts (gnomAD); In silico analysis supports that this missense variant has a deleterious effect on protein structure/function; Has not been previously published as pathogenic or benign to our knowledge; This variant is associated with the following publications: (PMID: 26100331, 25609763, 25512093)

Ambry Genetics
Classification: Uncertain significance for Inborn genetic diseases. Last evaluated: 2021-12-01. Review status: criteria provided, single submitter. Criteria: Ambry Variant Classification Scheme 2023. Collection method: clinical testing. Allele origin: germline.
Comment: The p.R2763W variant (also known as c.8287C>T), located in coding exon 41 of the DYNC1H1 gene, results from a C to T substitution at nucleotide position 8287. The arginine at codon 2763 is replaced by tryptophan, an amino acid with dissimilar properties. This amino acid position is conserved. In addition, this alteration is predicted to be deleterious by in silico analysis. Since supporting evidence is limited at this time, the clinical significance of this alteration remains unclear.

NM_001376.5(DYNC1H1):c.8287C>T (p.Arg2763Trp)

Gene: DYNC1H1 (dynein cytoplasmic 1 heavy chain 1; plus strand). Cytogenetic location: 14q32.31.
Variant type: single nucleotide variant.
Coding change: c.8287C>T on transcript NM_001376.5 (MANE Select); coding-DNA position 8287, C replaced by T.
Protein change: p.Arg2763Trp; replaces arginine 2763 with tryptophan.
Molecular consequence: missense variant.
Genome position (GRCh38, 1-based): chr14:102,018,560, C>T. VCF-style: chr14-102018560-C-T. GRCh37 (hg19) VCF-style: chr14-102484897-C-T.
Other names: short protein forms R2763W.
Identifiers: ClinVar variation 1762746 (VCV001762746.3), dbSNP rs2048351189, ClinGen allele CA391005626.